The following is an entry in ClinVar:

NM_005660.3(SLC35A2):c.1070G>C (p.Gly357Ala)

Gene: SLC35A2 (solute carrier family 35 member A2; minus strand). Cytogenetic location: Xp11.23.
Variant type: single nucleotide variant.
Coding change: c.1070G>C on transcript NM_005660.3 (MANE Select); coding-DNA position 1070, G replaced by C.
Protein change: p.Gly357Ala; replaces glycine 357 with alanine.
Molecular consequence: missense variant. On other transcripts: synonymous variant (3).
Genome position (GRCh38, 1-based): chrX:48,904,839, C>G on the plus strand (G>C on the coding strand, the complement: SLC35A2 is on the minus strand). VCF-style: chrX-48904839-C-G. GRCh37 (hg19) VCF-style: chrX-48762116-C-G.
Other names: c.480G>C, p.Arg160= (NM_001032289.3, NM_001282647.2); c.1070G>C, p.Gly357Ala (NM_001042498.3); c.408G>C, p.Arg136= (NM_001282648.2); c.887G>C, p.Gly296Ala (NM_001282649.2); c.1109G>C, p.Gly370Ala (NM_001282650.2); c.1154G>C, p.Gly385Ala (NM_001282651.2); short protein forms G357A, G385A, G296A, G370A.
Identifiers: ClinVar variation 2959669 (VCV002959669.3), dbSNP rs1184222447, ClinGen allele CA412894205.

ClinVar aggregate classification (germline): Uncertain significance (1 of 4 stars; one submission).

Conditions:
SLC35A2-congenital disorder of glycosylation. Also called: CONGENITAL DISORDER OF GLYCOSYLATION, TYPE IIm, SOMATIC MOSAIC; EPILEPTIC ENCEPHALOPATHY, EARLY INFANTILE, 22; DEVELOPMENTAL AND EPILEPTIC ENCEPHALOPATHY 22; SLC35A2-CDG; CONGENITAL DISORDER OF GLYCOSYLATION, TYPE IIm; CDG IIm. Identifiers: Orphanet 356961, MedGen C3806688, MONDO:0010478, OMIM 300896.

Allele frequency attached by ClinVar (database versions not stated): gnomAD exomes below 0.00001; TOPMed below 0.00001; gnomAD 0.00001.
gnomAD v4.1: 2 of 1,209,933 alleles (0.00017%); highest among the groups gnomAD compares: Non-Finnish European, 0.00022%; no homozygotes.

Submission:

Labcorp Genetics (formerly Invitae), Labcorp
Classification: Uncertain significance for SLC35A2-congenital disorder of glycosylation. Last evaluated: 2023-07-25. Review status: criteria provided, single submitter. Criteria: Invitae Variant Classification Sherloc (09022015). Collection method: clinical testing. Allele origin: germline.
Comment: In summary, the available evidence is currently insufficient to determine the role of this variant in disease. Therefore, it has been classified as a Variant of Uncertain Significance. Advanced modeling of protein sequence and biophysical properties (such as structural, functional, and spatial information, amino acid conservation, physicochemical variation, residue mobility, and thermodynamic stability) has been performed at Invitae for this missense variant, however the output from this modeling did not meet the statistical confidence thresholds required to predict the impact of this variant on SLC35A2 protein function. This variant has not been reported in the literature in individuals affected with SLC35A2-related conditions. This variant is not present in population databases (gnomAD no frequency). This sequence change replaces glycine, which is neutral and non-polar, with alanine, which is neutral and non-polar, at codon 357 of the SLC35A2 protein (p.Gly357Ala).